The following is an entry in ClinVar:

NM_000051.4(ATM):c.3162T>G (p.Pro1054=)

Gene: ATM (ATM serine/threonine kinase; plus strand). Cytogenetic location: 11q22.3.
Variant type: single nucleotide variant.
Coding change: c.3162T>G on transcript NM_000051.4 (MANE Select); coding-DNA position 3162, T replaced by G.
Protein change: p.Pro1054=; no amino-acid change (proline 1054 retained).
Molecular consequence: synonymous variant.
Genome position (GRCh38, 1-based): chr11:108,272,730, T>G. VCF-style: chr11-108272730-T-G. GRCh37 (hg19) VCF-style: chr11-108143457-T-G.
Other names: c.3162T>G, p.Pro1054= (NM_001351834.2).
Identifiers: ClinVar variation 1151762 (VCV001151762.10), dbSNP rs2081658300, ClinGen allele CA476745053.

ClinVar aggregate classification (germline): Benign/Likely benign. Review status: criteria provided, multiple submitters, no conflicts (2 of 4 stars). 2 submissions from 2 submitters: Benign (1); Likely benign (1). Last evaluated 2024-05-13.

Conditions:
Familial cancer of breast. Also called: BREAST CANCER, FAMILIAL; Hereditary breast cancer; hereditary breast carcinoma. Identifiers: Orphanet 227535, MedGen C0346153, MONDO:0016419, OMIM 114480. Disease mechanism: loss of function.
Ataxia-telangiectasia syndrome (AT). Also called: Ataxia-telangiectasia; Cerebello-oculocutaneous telangiectasia; Immunodeficiency with ataxia telangiectasia; Ataxia-telangiectasia, complementation group D; AT, COMPLEMENTATION GROUP C; Ataxia telangiectasia (A-T). Identifiers: Orphanet 100, MedGen C0004135, MONDO:0008840, OMIM 208900.

Submissions (2):

Myriad Genetics, Inc.
Classification: Benign for Familial cancer of breast. Last evaluated: 2024-05-13. Review status: criteria provided, single submitter. Criteria: Myriad Autosomal Dominant, Autosomal Recessive and X-Linked Classification Criteria (2023). Collection method: clinical testing. Allele origin: unknown.
Comment: This variant is considered benign. This variant is a silent/synonymous amino acid change and it is not expected to impact splicing.

Labcorp Genetics (formerly Invitae), Labcorp
Classification: Likely benign for Ataxia-telangiectasia syndrome. Last evaluated: 2019-07-31. Review status: criteria provided, single submitter. Criteria: Invitae Variant Classification Sherloc (09022015). Collection method: clinical testing. Allele origin: germline.